The following is an entry in ClinVar:

NM_001378454.1(ALMS1):c.3076G>C (p.Ala1026Pro)

Gene: ALMS1 (ALMS1 centrosome and basal body associated protein; plus strand). Cytogenetic location: 2p13.1.
Variant type: single nucleotide variant.
Coding change: c.3076G>C on transcript NM_001378454.1 (MANE Select); coding-DNA position 3076, G replaced by C.
Protein change: p.Ala1026Pro; replaces alanine 1026 with proline.
Molecular consequence: missense variant.
Genome position (GRCh38, 1-based): chr2:73,449,603, G>C. VCF-style: chr2-73449603-G-C. GRCh37 (hg19) VCF-style: chr2-73676730-G-C.
Other names: c.3079G>C, p.Ala1027Pro (NM_015120.4); short protein forms A1026P, A1027P.
Identifiers: ClinVar variation 1498130 (VCV001498130.6), dbSNP rs201451396, ClinGen allele CA1713457.

ClinVar aggregate classification (germline): Uncertain significance. Review status: criteria provided, multiple submitters, no conflicts (2 of 4 stars). 3 submissions from 3 submitters: Uncertain significance (3). Last evaluated 2023-03-08.

Conditions:
Cardiovascular phenotype. Identifiers: MedGen CN230736.
Alstrom syndrome (ALMS). Identifiers: Orphanet 64, MedGen C0268425, MONDO:0008763, OMIM 203800.

Allele frequency attached by ClinVar (database versions not stated): gnomAD exomes 0.00001 and 0.00004; TOPMed 0.00001; gnomAD 0.00003; ExAC 0.00004.
gnomAD v4.1: 22 of 1,613,882 alleles (0.0014%); highest among the groups gnomAD compares: Non-Finnish European, 0.00051%; no homozygotes.

Submissions (3):

Ambry Genetics
Classification: Uncertain significance for Cardiovascular phenotype. Last evaluated: 2023-03-08. Review status: criteria provided, single submitter. Criteria: Ambry Variant Classification Scheme 2023. Collection method: clinical testing. Allele origin: germline.
Comment: The p.A1027P variant (also known as c.3079G>C), located in coding exon 8 of the ALMS1 gene, results from a G to C substitution at nucleotide position 3079. The alanine at codon 1027 is replaced by proline, an amino acid with highly similar properties. This amino acid position is not well conserved in available vertebrate species. In addition, this alteration is predicted to be tolerated by in silico analysis. Since supporting evidence is limited at this time, the clinical significance of this alteration remains unclear.

Women's Health and Genetics/Laboratory Corporation of America, LabCorp
Classification: Uncertain significance. Last evaluated: 2022-12-04. Review status: criteria provided, single submitter. Criteria: LabCorp Variant Classification Summary - May 2015. Collection method: clinical testing. Allele origin: germline.

Labcorp Genetics (formerly Invitae), Labcorp
Classification: Uncertain significance for Alstrom syndrome. Last evaluated: 2022-04-02. Review status: criteria provided, single submitter. Criteria: Invitae Variant Classification Sherloc (09022015). Collection method: clinical testing. Allele origin: germline.
Comment: This sequence change replaces alanine, which is neutral and non-polar, with proline, which is neutral and non-polar, at codon 1027 of the ALMS1 protein (p.Ala1027Pro). This variant is present in population databases (rs201451396, gnomAD 0.08%). This variant has not been reported in the literature in individuals affected with ALMS1-related conditions. Experimental studies and prediction algorithms are not available or were not evaluated, and the functional significance of this variant is currently unknown. In summary, the available evidence is currently insufficient to determine the role of this variant in disease. Therefore, it has been classified as a Variant of Uncertain Significance.